The following is an entry in ClinVar:

NM_021831.6(AGBL5):c.266A>G (p.Lys89Arg)

Gene: AGBL5 (AGBL carboxypeptidase 5; plus strand). Cytogenetic location: 2p23.3.
Variant type: single nucleotide variant.
Coding change: c.266A>G on transcript NM_021831.6 (MANE Select); coding-DNA position 266, A replaced by G.
Protein change: p.Lys89Arg; replaces lysine 89 with arginine.
Molecular consequence: missense variant. On other transcripts: non-coding transcript variant (2).
Genome position (GRCh38, 1-based): chr2:27,053,452, A>G. VCF-style: chr2-27053452-A-G. GRCh37 (hg19) VCF-style: chr2-27276320-A-G.
Other names: c.266A>G, p.Lys89Arg (NM_001035507.3); short protein forms K89R.
Identifiers: ClinVar variation 1512212 (VCV001512212.6), dbSNP rs202135413, ClinGen allele CA44464011.

ClinVar aggregate classification (germline): Uncertain significance. Review status: criteria provided, multiple submitters, no conflicts (2 of 4 stars). 2 submissions from 2 submitters: Uncertain significance (2). Last evaluated 2024-10-30.

Allele frequency attached by ClinVar (database versions not stated): gnomAD exomes 0.00002; gnomAD 0.00003; TOPMed 0.00003.
gnomAD v4.1: 33 of 1,614,022 alleles (0.002%); highest among the groups gnomAD compares: Non-Finnish European, 0.0027%; no homozygotes.

Submissions (2):

Blueprint Genetics
Classification: Uncertain significance. Last evaluated: 2024-10-30. Review status: criteria provided, single submitter. Criteria: ACMG Guidelines, 2015. Collection method: clinical testing. Allele origin: germline.

Labcorp Genetics (formerly Invitae), Labcorp
Classification: Uncertain significance. Last evaluated: 2021-08-14. Review status: criteria provided, single submitter. Criteria: Invitae Variant Classification Sherloc (09022015). Collection method: clinical testing. Allele origin: germline.
Comment: This sequence change replaces lysine with arginine at codon 89 of the AGBL5 protein (p.Lys89Arg). The lysine residue is highly conserved and there is a small physicochemical difference between lysine and arginine. This variant is not present in population databases (ExAC no frequency). This variant has not been reported in the literature in individuals affected with AGBL5-related conditions. Algorithms developed to predict the effect of missense changes on protein structure and function (SIFT, PolyPhen-2, Align-GVGD) all suggest that this variant is likely to be tolerated. In summary, the available evidence is currently insufficient to determine the role of this variant in disease. Therefore, it has been classified as a Variant of Uncertain Significance.